The following is an entry in ClinVar:

NM_001206927.2(DNAH8):c.8053G>C (p.Ala2685Pro)

Gene: DNAH8 (dynein axonemal heavy chain 8; plus strand). Cytogenetic location: 6p21.2.
Variant type: single nucleotide variant.
Coding change: c.8053G>C on transcript NM_001206927.2 (MANE Select); coding-DNA position 8053, G replaced by C.
Protein change: p.Ala2685Pro; replaces alanine 2685 with proline.
Molecular consequence: missense variant.
Genome position (GRCh38, 1-based): chr6:38,883,373, G>C. VCF-style: chr6-38883373-G-C. GRCh37 (hg19) VCF-style: chr6-38851149-G-C.
Other names: c.7402G>C, p.Ala2468Pro (NM_001371.4); short protein forms A2685P, A2468P.
Identifiers: ClinVar variation 402772 (VCV000402772.6), dbSNP rs373111234, ClinGen allele CA3790082.

ClinVar aggregate classification (germline): Uncertain significance. Review status: criteria provided, multiple submitters, no conflicts (2 of 4 stars). 2 submissions from 2 submitters: Uncertain significance (2). Last evaluated 2022-04-22.

Allele frequency attached by ClinVar (database versions not stated): gnomAD 0.00002 and 0.00003; gnomAD exomes 0.00002 and 0.00004; TOPMed 0.00003; ExAC 0.00004; ESP Exome Variant Server 0.00015.
gnomAD v4.1: 41 of 1,612,968 alleles (0.0025%); highest among the groups gnomAD compares: Non-Finnish European, 0.00051%; no homozygotes.

Submissions (2):

Ambry Genetics
Classification: Uncertain significance. Last evaluated: 2022-04-22. Review status: criteria provided, single submitter. Criteria: Ambry Variant Classification Scheme 2023. Collection method: clinical testing. Allele origin: germline.

Laboratory for Molecular Medicine, Mass General Brigham Personalized Medicine
Classification: Uncertain significance. Last evaluated: 2016-03-28. Review status: criteria provided, single submitter. Criteria: LMM Criteria. Collection method: clinical testing. Allele origin: germline.
Comment: Variant identified in a genome or exome case(s) and assessed due to predicted null impact of the variant or pathogenic assertions in the literature or databases. Disclaimer: This variant has not undergone full assessment. The following are preliminary notes: Limited evidence for the gene to be associated with PCD. Does not meet criteria for reporting.